The following is an entry in ClinVar:

NM_000222.3(KIT):c.112T>A (p.Ser38Thr)

Gene: KIT (KIT proto-oncogene, receptor tyrosine kinase; plus strand). Cytogenetic location: 4q12.
Variant type: single nucleotide variant.
Coding change: c.112T>A on transcript NM_000222.3 (MANE Select); coding-DNA position 112, T replaced by A.
Protein change: p.Ser38Thr; replaces serine 38 with threonine.
Molecular consequence: missense variant.
Genome position (GRCh38, 1-based): chr4:54,695,556, T>A. VCF-style: chr4-54695556-T-A. GRCh37 (hg19) VCF-style: chr4-55561722-T-A.
Other names: c.112T>A (NM_000222.2); c.112T>A, p.Ser38Thr (NM_001093772.2, NM_001385284.1, NM_001385285.1 and 4 more transcripts); short protein forms S38T.
Identifiers: ClinVar variation 1501915 (VCV001501915.8), dbSNP rs1720002282, ClinGen allele CA356896864.

ClinVar aggregate classification (germline): Conflicting classifications of pathogenicity. Review status: criteria provided, conflicting classifications (1 of 4 stars). 2 submissions from 2 submitters: Uncertain significance (1); Likely benign (1). Last evaluated 2025-05-02.

Conditions:
Hereditary cancer-predisposing syndrome. Also called: Hereditary neoplastic syndrome; Tumor predisposition; Hereditary Cancer Syndrome; Neoplastic Syndromes, Hereditary. Identifiers: Orphanet 140162, MedGen C0027672, MeSH D009386, MONDO:0015356.
Gastrointestinal stromal tumor. Also called: Gastrointestinal stroma tumor; Gastrointestinal stromal tumor, somatic. Identifiers: Orphanet 44890, MedGen C0238198, MeSH D046152, MONDO:0011719, OMIM 606764, HP:0100723.

Allele frequency attached by ClinVar (database versions not stated): TOPMed 0.00001.
gnomAD v4.1: 1 of 1,613,754 alleles (0.000062%); no homozygotes.

Submissions (2):

Ambry Genetics
Classification: Likely benign for Hereditary cancer-predisposing syndrome. Last evaluated: 2025-05-02. Review status: criteria provided, single submitter. Criteria: Ambry Variant Classification Scheme 2023. Collection method: clinical testing. Allele origin: germline.

Labcorp Genetics (formerly Invitae), Labcorp
Classification: Uncertain significance for Gastrointestinal stromal tumor. Last evaluated: 2024-02-02. Review status: criteria provided, single submitter. Criteria: Invitae Variant Classification Sherloc (09022015). Collection method: clinical testing. Allele origin: germline.
Comment: This sequence change replaces serine, which is neutral and polar, with threonine, which is neutral and polar, at codon 38 of the KIT protein (p.Ser38Thr). This variant is not present in population databases (gnomAD no frequency). This variant has not been reported in the literature in individuals affected with KIT-related conditions. ClinVar contains an entry for this variant (Variation ID: 1501915). An algorithm developed to predict the effect of missense changes on protein structure and function (PolyPhen-2) suggests that this variant is likely to be tolerated. In summary, the available evidence is currently insufficient to determine the role of this variant in disease. Therefore, it has been classified as a Variant of Uncertain Significance.